The following is an entry in ClinVar:

NM_024915.4(GRHL2):c.1723G>A (p.Val575Met)

Gene: GRHL2 (grainyhead like transcription factor 2; plus strand). Cytogenetic location: 8q22.3.
Variant type: single nucleotide variant.
Coding change: c.1723G>A on transcript NM_024915.4 (MANE Select); coding-DNA position 1723, G replaced by A.
Protein change: p.Val575Met; replaces valine 575 with methionine.
Molecular consequence: missense variant.
Genome position (GRCh38, 1-based): chr8:101,664,478, G>A. VCF-style: chr8-101664478-G-A. GRCh37 (hg19) VCF-style: chr8-102676706-G-A.
Other names: c.1675G>A, p.Val559Met (NM_001330593.2); short protein forms V575M, V559M.
Identifiers: ClinVar variation 46216 (VCV000046216.15), dbSNP rs370196002, ClinGen allele CA137891.

ClinVar aggregate classification (germline): Uncertain significance. Review status: criteria provided, multiple submitters, no conflicts (2 of 4 stars). 5 submissions from 5 submitters: Uncertain significance (5). Last evaluated 2026-08-28.

Conditions:
Nail and teeth abnormalities-marginal palmoplantar keratoderma-oral hyperpigmentation syndrome. Also called: Ectodermal dysplasia/short stature syndrome. Identifiers: Orphanet 423454, MedGen C4014987, MONDO:0014460, OMIM 616029.
Corneal dystrophy, posterior polymorphous, 4. Identifiers: MedGen C4747961, MONDO:0054832, OMIM 618031.
Autosomal dominant nonsyndromic hearing loss 28. Identifiers: Orphanet 90635, MedGen C1837640, MONDO:0012083, OMIM 608641.
Inborn genetic diseases. Identifiers: MedGen C0950123, MeSH D030342.

Allele frequency attached by ClinVar (database versions not stated): TOPMed 0.00004; ExAC 0.00005; ESP Exome Variant Server 0.00008.
gnomAD v4.1: 106 of 1,613,514 alleles (0.0066%); highest among the groups gnomAD compares: African/African-American, 0.0093%; no homozygotes.

Submissions (5):

GeneDx
Classification: Uncertain significance. Last evaluated: 2026-08-28. Review status: criteria provided, single submitter. Criteria: GeneDx Variant Classification Process June 2021. Collection method: clinical testing. Allele origin: germline.
Comment: In silico analysis suggests that this missense variant does not alter protein structure/function; Has not been previously published as pathogenic or benign to our knowledge

Labcorp Genetics (formerly Invitae), Labcorp
Classification: Uncertain significance. Last evaluated: 2025-03-20. Review status: criteria provided, single submitter. Criteria: Invitae Variant Classification Sherloc (09022015). Collection method: clinical testing. Allele origin: germline.
Comment: This sequence change replaces valine, which is neutral and non-polar, with methionine, which is neutral and non-polar, at codon 575 of the GRHL2 protein (p.Val575Met). This variant is present in population databases (rs370196002, gnomAD 0.02%). This variant has not been reported in the literature in individuals affected with GRHL2-related conditions. ClinVar contains an entry for this variant (Variation ID: 46216). Invitae Evidence Modeling of protein sequence and biophysical properties (such as structural, functional, and spatial information, amino acid conservation, physicochemical variation, residue mobility, and thermodynamic stability) indicates that this missense variant is not expected to disrupt GRHL2 protein function with a negative predictive value of 80%. In summary, the available evidence is currently insufficient to determine the role of this variant in disease. Therefore, it has been classified as a Variant of Uncertain Significance.

Ambry Genetics
Classification: Uncertain significance for Inborn genetic diseases. Last evaluated: 2024-10-01. Review status: criteria provided, single submitter. Criteria: Ambry Variant Classification Scheme 2023. Collection method: clinical testing. Allele origin: germline.

Fulgent Genetics
Classification: Uncertain significance for Autosomal dominant nonsyndromic hearing loss 28; Nail and teeth abnormalities-marginal palmoplantar keratoderma-oral hyperpigmentation syndrome; Corneal dystrophy, posterior polymorphous, 4. Last evaluated: 2021-07-28. Review status: criteria provided, single submitter. Criteria: ACMG Guidelines, 2015. Collection method: clinical testing. Allele origin: unknown.

Laboratory for Molecular Medicine, Mass General Brigham Personalized Medicine
Classification: Uncertain significance. Last evaluated: 2013-01-08. Review status: criteria provided, single submitter. Criteria: LMM Criteria. Collection method: clinical testing. Allele origin: germline. Observed: 1 variant allele.
Comment: Variant classified as Uncertain Significance - Favor Benign. The Val575Met varia nt in GRHL2 has not been reported in the literature nor previously identified by our laboratory. Computational analyses (biochemical amino acid properties, cons ervation, AlignGVGD, PolyPhen2, and SIFT) suggest that the Val575Met variant may not impact the protein, though this information is not predictive enough to rul e out pathogenicity. This variant has been seen in 0.01% (1/8600) of European Am erican chromosomes in a broad population by the NHLBI Exome sequencing project. , however this frequency is not high enough t o rule out a pathogenic role. In addition, the GRHL2 gene is associated with au tosomal dominant post-lingual hearing loss which is not consistent with this ind ividual?s family history. In summary, the clinical significance of this variant cannot be determined with certainty; however, based upon computational analyses described above and the absence of an autosomal dominant family history, we wou ld lean towards a more likely benign role.